The following is an entry in ClinVar:

NM_001199138.2(NLRC4):c.805C>T (p.His269Tyr)

Gene: NLRC4 (NLR family CARD domain containing 4; minus strand). Cytogenetic location: 2p22.3.
Variant type: single nucleotide variant.
Coding change: c.805C>T on transcript NM_001199138.2 (MANE Select); coding-DNA position 805, C replaced by T.
Protein change: p.His269Tyr; replaces histidine 269 with tyrosine.
Molecular consequence: missense variant. On other transcripts: intron variant (1).
Genome position (GRCh38, 1-based): chr2:32,251,059, G>A on the plus strand (C>T on the coding strand, the complement: NLRC4 is on the minus strand). VCF-style: chr2-32251059-G-A. GRCh37 (hg19) VCF-style: chr2-32476128-G-A.
Other names: c.805C>T, p.His269Tyr (NM_001199139.2, NM_021209.5); c.262+1360C>T (NM_001302504.1); short protein forms H269Y.
Identifiers: ClinVar variation 2431639 (VCV002431639.2), dbSNP rs2466762226, ClinGen allele CA346514286.

ClinVar aggregate classification (germline): Uncertain significance (1 of 4 stars; one submission).

Conditions:
Familial cold autoinflammatory syndrome 4 (FCAS4). Identifiers: Orphanet 47045, Orphanet 576349, MedGen C4015276, MONDO:0014498, OMIM 616115.

Submission:

Laboratorio de Genetica e Diagnostico Molecular, Hospital Israelita Albert Einstein
Classification: Uncertain significance for Familial cold autoinflammatory syndrome 4. Last evaluated: 2022-02-22. Review status: criteria provided, single submitter. Criteria: ACMG Guidelines, 2015. Collection method: clinical testing. Allele origin: germline. Affected: yes.
Comment: ACMG classification criteria: PM2 moderated, BP4 supporting